The following is an entry in ClinVar:

ClinVar aggregate classification (germline): Uncertain significance (1 of 4 stars; one submission).

gnomAD v4.1: 18 of 1,613,766 alleles (0.0011%); highest among the groups gnomAD compares: Non-Finnish European, 0.0015%; no homozygotes.

Submission:

Ambry Genetics
Classification: Uncertain significance. Last evaluated: 2025-02-27. Review status: criteria provided, single submitter. Criteria: Ambry Variant Classification Scheme 2023. Collection method: clinical testing. Allele origin: germline.
Comment: The p.T208I variant (also known as c.623C>T), located in coding exon 4 of the ATRIP gene, results from a C to T substitution at nucleotide position 623. The threonine at codon 208 is replaced by isoleucine, an amino acid with similar properties. This amino acid position is poorly conserved in available vertebrate species. In addition, this alteration is predicted to be tolerated by in silico analysis. The evidence for this gene-disease relationship is limited; therefore, the clinical significance of this alteration is unclear.

NM_130384.3(ATRIP):c.623C>T (p.Thr208Ile)

Genes: ATRIP (ATR interacting protein; plus strand), ATRIP-TREX1 (ATRIP-TREX1 readthrough; plus strand). Cytogenetic location: 3p21.31.
Variant type: single nucleotide variant.
Coding change: c.623C>T on transcript NM_130384.3 (MANE Select); coding-DNA position 623, C replaced by T.
Protein change: p.Thr208Ile; replaces threonine 208 with isoleucine.
Molecular consequence: missense variant. On other transcripts: non-coding transcript variant (1).
Genome position (GRCh38, 1-based): chr3:48,454,370, C>T. VCF-style: chr3-48454370-C-T. GRCh37 (hg19) VCF-style: chr3-48495770-C-T.
Other names: c.242C>T, p.Thr81Ile (NM_001271022.2); c.344C>T, p.Thr115Ile (NM_001271023.2); c.623C>T, p.Thr208Ile (NM_032166.4); short protein forms T115I, T208I, T81I.
Identifiers: ClinVar variation 3809925 (VCV003809925.1).
Genomic context (GRCh38, chr3:48,454,370, plus strand): 5'-TGCAGTCTGAACTCCAGTTTAAAGATGCAGAGATGAATGAATTAAGGACAAAGCTCCAGA[C>T]CAGTGAACGAGCAAATAAACTGGCTGCTCCCTCTGTTTCCCATGTCAGGTAATGATGGTG-3'
Protein context (NP_569055.1, residues 198-218): EMNELRTKLQ[Thr208Ile]SERANKLAAP